The following is an entry in ClinVar:

ClinVar aggregate classification (germline): Conflicting classifications of pathogenicity. Review status: criteria provided, conflicting classifications (1 of 4 stars). 2 submissions from 2 submitters: Uncertain significance (1); Likely benign (1). Last evaluated 2024-09-03.

Allele frequency attached by ClinVar (database versions not stated): gnomAD exomes 0.00002; gnomAD 0.00003; TOPMed 0.00003; ESP Exome Variant Server 0.00008.
gnomAD v4.1: 25 of 1,601,416 alleles (0.0016%); highest among the groups gnomAD compares: Middle Eastern, 0.017%; no homozygotes.

Submissions (2):

Blueprint Genetics
Classification: Likely benign. Last evaluated: 2024-09-03. Review status: criteria provided, single submitter. Criteria: ACMG Guidelines, 2015. Collection method: clinical testing. Allele origin: germline.

Labcorp Genetics (formerly Invitae), Labcorp
Classification: Uncertain significance. Last evaluated: 2023-07-17. Review status: criteria provided, single submitter. Criteria: Invitae Variant Classification Sherloc (09022015). Collection method: clinical testing. Allele origin: germline.
Comment: In summary, the available evidence is currently insufficient to determine the role of this variant in disease. Therefore, it has been classified as a Variant of Uncertain Significance. Variants that disrupt the consensus splice site are a relatively common cause of aberrant splicing (PMID: 17576681, 9536098). Algorithms developed to predict the effect of sequence changes on RNA splicing suggest that this variant is not likely to affect RNA splicing. This variant has not been reported in the literature in individuals affected with FAM65B-related conditions. This variant is present in population databases (rs367588141, gnomAD 0.003%). This sequence change falls in intron 2 of the FAM65B gene. It does not directly change the encoded amino acid sequence of the FAM65B protein. It affects a nucleotide within the consensus splice site.

Literature cited by the submitters: PubMed 17576681 (cited by Labcorp Genetics (formerly Invitae), Labcorp); PubMed 9536098 (cited by Labcorp Genetics (formerly Invitae), Labcorp).

NM_001286445.3(RIPOR2):c.189-3T>C

Gene: RIPOR2 (RHO family interacting cell polarization regulator 2; minus strand). Cytogenetic location: 6p22.3.
Variant type: single nucleotide variant.
Coding change: c.189-3T>C on transcript NM_001286445.3 (MANE Select); 3 bases into the intron before coding-DNA position 189, T replaced by C.
Molecular consequence: intron variant.
Genome position (GRCh38, 1-based): chr6:24,873,802, A>G on the plus strand (T>C on the coding strand, the complement: RIPOR2 is on the minus strand). VCF-style: chr6-24873802-A-G. GRCh37 (hg19) VCF-style: chr6-24874030-A-G.
Other names: c.102-3T>C (NM_001346031.2, NM_014722.5, NM_001346032.2 and 2 more transcripts); c.204-3T>C (NM_001286446.3).
Identifiers: ClinVar variation 2968465 (VCV002968465.4), dbSNP rs367588141, ClinGen allele CA136165774.